The following is an entry in ClinVar:

ClinVar aggregate classification (germline): Uncertain significance (1 of 4 stars; one submission).

Conditions:
Ullrich congenital muscular dystrophy 2 (UCMD2). Identifiers: Orphanet 75840, MedGen C4225314, MONDO:0014654, OMIM 616470.
Bethlem myopathy 2 (BTHLM2). Identifiers: Orphanet 536516, Orphanet 610, MedGen C4225313, MONDO:0034022, OMIM 616471.

Allele frequency attached by ClinVar (database versions not stated): gnomAD exomes below 0.00001; ExAC 0.00001; gnomAD 0.00001; TOPMed 0.00001; 1000 Genomes Project 30x 0.00016; 1000 Genomes Project 0.00020.
gnomAD v4.1: 3 of 1,613,676 alleles (0.00019%); highest among the groups gnomAD compares: Admixed American, 0.005%; no homozygotes.

Submission:

Labcorp Genetics (formerly Invitae), Labcorp
Classification: Uncertain significance for Bethlem myopathy 2; Ullrich congenital muscular dystrophy 2. Last evaluated: 2022-12-01. Review status: criteria provided, single submitter. Criteria: Invitae Variant Classification Sherloc (09022015). Collection method: clinical testing. Allele origin: germline.
Comment: In summary, the available evidence is currently insufficient to determine the role of this variant in disease. Therefore, it has been classified as a Variant of Uncertain Significance. Advanced modeling of protein sequence and biophysical properties (such as structural, functional, and spatial information, amino acid conservation, physicochemical variation, residue mobility, and thermodynamic stability) performed at Invitae indicates that this missense variant is not expected to disrupt COL12A1 protein function. This variant has not been reported in the literature in individuals affected with COL12A1-related conditions. This variant is not present in population databases (gnomAD no frequency). This sequence change replaces glutamic acid, which is acidic and polar, with lysine, which is basic and polar, at codon 1113 of the COL12A1 protein (p.Glu1113Lys).

NM_004370.6(COL12A1):c.3337G>A (p.Glu1113Lys)

Gene: COL12A1 (collagen type XII alpha 1 chain; minus strand). Cytogenetic location: 6q13.
Variant type: single nucleotide variant.
Coding change: c.3337G>A on transcript NM_004370.6 (MANE Select); coding-DNA position 3337, G replaced by A.
Protein change: p.Glu1113Lys; replaces glutamic acid 1113 with lysine.
Molecular consequence: missense variant. On other transcripts: intron variant (2).
Genome position (GRCh38, 1-based): chr6:75,155,768, C>T on the plus strand (G>A on the coding strand, the complement: COL12A1 is on the minus strand). VCF-style: chr6-75155768-C-T. GRCh37 (hg19) VCF-style: chr6-75865484-C-T.
Other names: c.3337G>A, p.Glu1113Lys (NM_001424113.1, NM_001424114.1); c.3064G>A, p.Glu1022Lys (NM_001424115.1); c.74-3286G>A (NM_001424116.1, NM_080645.3); short protein forms E1022K, E1113K.
Identifiers: ClinVar variation 2926908 (VCV002926908.3), dbSNP rs199854195, ClinGen allele CA3893750.